The following is an entry in ClinVar:

ClinVar aggregate classification (germline): Uncertain significance. Review status: criteria provided, multiple submitters, no conflicts (2 of 4 stars). 2 submissions from 2 submitters: Uncertain significance (2). Last evaluated 2024-11-30.

Conditions:
Inborn genetic diseases. Identifiers: MedGen C0950123, MeSH D030342.

Allele frequency attached by ClinVar (database versions not stated): gnomAD 0.00001; TOPMed 0.00005.
gnomAD v4.1: 43 of 1,613,656 alleles (0.0027%); highest among the groups gnomAD compares: Middle Eastern, 0.049%; no homozygotes.

Submissions (2):

Ambry Genetics
Classification: Uncertain significance for Inborn genetic diseases. Last evaluated: 2024-11-30. Review status: criteria provided, single submitter. Criteria: Ambry Variant Classification Scheme 2023. Collection method: clinical testing. Allele origin: germline.

Labcorp Genetics (formerly Invitae), Labcorp
Classification: Uncertain significance. Last evaluated: 2022-05-04. Review status: criteria provided, single submitter. Criteria: Invitae Variant Classification Sherloc (09022015). Collection method: clinical testing. Allele origin: germline.
Comment: Algorithms developed to predict the effect of missense changes on protein structure and function are either unavailable or do not agree on the potential impact of this missense change (SIFT: "Deleterious"; PolyPhen-2: "Probably Damaging"; Align-GVGD: "Class C0"). In summary, the available evidence is currently insufficient to determine the role of this variant in disease. Therefore, it has been classified as a Variant of Uncertain Significance. This sequence change replaces arginine, which is basic and polar, with cysteine, which is neutral and slightly polar, at codon 1283 of the DOCK6 protein (p.Arg1283Cys). This variant is present in population databases (rs749514575, gnomAD 0.002%). This variant has not been reported in the literature in individuals affected with DOCK6-related conditions.

NM_020812.4(DOCK6):c.3847C>T (p.Arg1283Cys)

Genes: DOCK6 (dedicator of cytokinesis 6; minus strand), DOCK6-AS1 (DOCK6 antisense RNA 1; plus strand). Cytogenetic location: 19p13.2.
Variant type: single nucleotide variant.
Coding change: c.3847C>T on transcript NM_020812.4 (MANE Select); coding-DNA position 3847, C replaced by T.
Protein change: p.Arg1283Cys; replaces arginine 1283 with cysteine.
Molecular consequence: missense variant.
Genome position (GRCh38, 1-based): chr19:11,216,961, G>A on the plus strand (C>T on the coding strand, the complement: DOCK6 is on the minus strand). VCF-style: chr19-11216961-G-A. GRCh37 (hg19) VCF-style: chr19-11327637-G-A.
Other names: c.3952C>T, p.Arg1318Cys (NM_001367830.1); short protein forms R1283C, R1318C.
Identifiers: ClinVar variation 2069186 (VCV002069186.4), dbSNP rs749514575, ClinGen allele CA9207108.